The following is an entry in ClinVar:

NM_000096.4(CP):c.2407G>C (p.Glu803Gln)

Gene: CP (ceruloplasmin; minus strand). Cytogenetic location: 3q24.
Variant type: single nucleotide variant.
Coding change: c.2407G>C on transcript NM_000096.4 (MANE Select); coding-DNA position 2407, G replaced by C.
Protein change: p.Glu803Gln; replaces glutamic acid 803 with glutamine.
Molecular consequence: missense variant. On other transcripts: non-coding transcript variant (1).
Genome position (GRCh38, 1-based): chr3:149,183,484, C>G on the plus strand (G>C on the coding strand, the complement: CP is on the minus strand). VCF-style: chr3-149183484-C-G. GRCh37 (hg19) VCF-style: chr3-148901271-C-G.
Other names: short protein forms E803Q.
Identifiers: ClinVar variation 2068185 (VCV002068185.5), dbSNP rs770899116, ClinGen allele CA2660774.

ClinVar aggregate classification (germline): Uncertain significance. Review status: criteria provided, multiple submitters, no conflicts (2 of 4 stars). 3 submissions from 3 submitters: Uncertain significance (3). Last evaluated 2025-08-09.

Conditions:
Inborn genetic diseases. Identifiers: MedGen C0950123, MeSH D030342.
Deficiency of ferroxidase (ACEP). Also called: NEURODEGENERATION WITH BRAIN IRON ACCUMULATION 10; Aceruloplasminemia; Ceruloplasmin deficiency; Familial apoceruloplasmin deficiency; Hereditary ceruloplasmin deficiency; Deficiency of ceruloplasmin. Identifiers: Orphanet 48818, MedGen C0878682, MONDO:0011426, OMIM 604290, HP:0025498.

Allele frequency attached by ClinVar (database versions not stated): ExAC 0.00007; gnomAD exomes 0.00006; gnomAD 0.00009.
gnomAD v4.1: 115 of 1,611,322 alleles (0.0071%); highest among the groups gnomAD compares: Middle Eastern, 0.13%; no homozygotes.

Submissions (3):

GeneDx
Classification: Uncertain significance. Last evaluated: 2025-08-09. Review status: criteria provided, single submitter. Criteria: GeneDx Variant Classification Process June 2021. Collection method: clinical testing. Allele origin: germline. Affected: yes.
Comment: In silico analysis suggests that this missense variant does not alter protein structure/function; Has not been previously published as pathogenic or benign to our knowledge

Labcorp Genetics (formerly Invitae), Labcorp
Classification: Uncertain significance for Deficiency of ferroxidase. Last evaluated: 2024-12-16. Review status: criteria provided, single submitter. Criteria: Invitae Variant Classification Sherloc (09022015). Collection method: clinical testing. Allele origin: germline.
Comment: This sequence change replaces glutamic acid, which is acidic and polar, with glutamine, which is neutral and polar, at codon 803 of the CP protein (p.Glu803Gln). This variant is present in population databases (rs770899116, gnomAD 0.03%). This variant has not been reported in the literature in individuals affected with CP-related conditions. ClinVar contains an entry for this variant (Variation ID: 2068185). Invitae Evidence Modeling of protein sequence and biophysical properties (such as structural, functional, and spatial information, amino acid conservation, physicochemical variation, residue mobility, and thermodynamic stability) indicates that this missense variant is not expected to disrupt CP protein function with a negative predictive value of 80%. In summary, the available evidence is currently insufficient to determine the role of this variant in disease. Therefore, it has been classified as a Variant of Uncertain Significance.

Ambry Genetics
Classification: Uncertain significance for Inborn genetic diseases. Last evaluated: 2021-09-01. Review status: criteria provided, single submitter. Criteria: Ambry Variant Classification Scheme 2023. Collection method: clinical testing. Allele origin: germline.